The following is an entry in ClinVar:

NM_007186.6(CEP250):c.362G>A (p.Arg121Gln)

Gene: CEP250 (centrosomal protein 250; plus strand). Cytogenetic location: 20q11.22.
Variant type: single nucleotide variant.
Coding change: c.362G>A on transcript NM_007186.6 (MANE Select); coding-DNA position 362, G replaced by A.
Protein change: p.Arg121Gln; replaces arginine 121 with glutamine.
Molecular consequence: missense variant. On other transcripts: 5 prime UTR variant (1).
Genome position (GRCh38, 1-based): chr20:35,466,074, G>A. VCF-style: chr20-35466074-G-A. GRCh37 (hg19) VCF-style: chr20-34053899-G-A.
Other names: c.-1538G>A (NM_001318219.1); short protein forms R121Q.
Identifiers: ClinVar variation 1911127 (VCV001911127.3), dbSNP rs781762969, ClinGen allele CA9832605.

ClinVar aggregate classification (germline): Uncertain significance (1 of 4 stars; one submission).

Allele frequency attached by ClinVar (database versions not stated): gnomAD 0.00001; ExAC 0.00002; TOPMed 0.00002.

Submission:

Labcorp Genetics (formerly Invitae), Labcorp
Classification: Uncertain significance. Last evaluated: 2022-04-07. Review status: criteria provided, single submitter. Criteria: Invitae Variant Classification Sherloc (09022015). Collection method: clinical testing. Allele origin: germline.
Comment: This sequence change replaces arginine, which is basic and polar, with glutamine, which is neutral and polar, at codon 121 of the CEP250 protein (p.Arg121Gln). This variant is present in population databases (rs781762969, gnomAD 0.02%). This variant has not been reported in the literature in individuals affected with CEP250-related conditions. Algorithms developed to predict the effect of missense changes on protein structure and function output the following: SIFT: "Not Available"; PolyPhen-2: "Benign"; Align-GVGD: "Not Available". The glutamine amino acid residue is found in multiple mammalian species, which suggests that this missense change does not adversely affect protein function. In summary, the available evidence is currently insufficient to determine the role of this variant in disease. Therefore, it has been classified as a Variant of Uncertain Significance.